The following is an entry in ClinVar:

ClinVar aggregate classification (germline): Uncertain significance. Review status: criteria provided, multiple submitters, no conflicts (2 of 4 stars). 2 submissions from 2 submitters: Uncertain significance (2). Last evaluated 2024-08-28.

Conditions:
Inborn genetic diseases. Identifiers: MedGen C0950123, MeSH D030342.

Allele frequency attached by ClinVar (database versions not stated): gnomAD exomes 0.00001 and 0.00002.
gnomAD v4.1: 32 of 1,551,628 alleles (0.0021%); highest among the groups gnomAD compares: Non-Finnish European, 0.0028%; no homozygotes.

Submissions (2):

Ambry Genetics
Classification: Uncertain significance for Inborn genetic diseases. Last evaluated: 2024-08-28. Review status: criteria provided, single submitter. Criteria: Ambry Variant Classification Scheme 2023. Collection method: clinical testing. Allele origin: germline.

Labcorp Genetics (formerly Invitae), Labcorp
Classification: Uncertain significance. Last evaluated: 2024-05-18. Review status: criteria provided, single submitter. Criteria: Invitae Variant Classification Sherloc (09022015). Collection method: clinical testing. Allele origin: germline.
Comment: This sequence change replaces alanine, which is neutral and non-polar, with aspartic acid, which is acidic and polar, at codon 118 of the CDHR1 protein (p.Ala118Asp). This variant is not present in population databases (gnomAD no frequency). This variant has not been reported in the literature in individuals affected with CDHR1-related conditions. ClinVar contains an entry for this variant (Variation ID: 1524380). Advanced modeling of protein sequence and biophysical properties (such as structural, functional, and spatial information, amino acid conservation, physicochemical variation, residue mobility, and thermodynamic stability) performed at Invitae indicates that this missense variant is not expected to disrupt CDHR1 protein function with a negative predictive value of 80%. In summary, the available evidence is currently insufficient to determine the role of this variant in disease. Therefore, it has been classified as a Variant of Uncertain Significance.

NM_033100.4(CDHR1):c.353C>A (p.Ala118Asp)

Gene: CDHR1 (cadherin related family member 1; plus strand). Cytogenetic location: 10q23.1.
Variant type: single nucleotide variant.
Coding change: c.353C>A on transcript NM_033100.4 (MANE Select); coding-DNA position 353, C replaced by A.
Protein change: p.Ala118Asp; replaces alanine 118 with aspartic acid.
Molecular consequence: missense variant.
Genome position (GRCh38, 1-based): chr10:84,199,036, C>A. VCF-style: chr10-84199036-C-A. GRCh37 (hg19) VCF-style: chr10-85958792-C-A.
Other names: c.353C>A, p.Ala118Asp (NM_001171971.3); c.353C>A (NM_033100.2); short protein forms A118D.
Identifiers: ClinVar variation 1524380 (VCV001524380.7), dbSNP rs1050499319, ClinGen allele CA210378857.